The following is an entry in ClinVar:

ClinVar aggregate classification (germline): Pathogenic (1 of 4 stars; one submission).

Conditions:
Hereditary spastic paraplegia 50 (SPG50). Also called: Spastic paraplegia 50, autosomal recessive. Identifiers: Orphanet 280763, MedGen C2752008, MONDO:0013048, OMIM 612936.

Submission:

3billion
Classification: Pathogenic for Hereditary spastic paraplegia 50. Last evaluated: 2023-07-16. Review status: criteria provided, single submitter. Criteria: ACMG Guidelines, 2015. Collection method: clinical testing. Allele origin: germline. Affected: yes.
Comment: The variant is not observed in the gnomAD v2.1.1 dataset. Predicted Consequence/Location: Frameshift: predicted to result in a loss or disruption of normal protein function through nonsense-mediated decay (NMD) or protein truncation. Multiple pathogenic variants are reported downstream of the variant. Therefore, this variant is classified as Pathogenic according to the recommendation of ACMG/AMP guideline.

NM_004722.4(AP4M1):c.128_132del (p.Asp43fs)

Gene: AP4M1 (adaptor related protein complex 4 subunit mu 1; plus strand). Cytogenetic location: 7q22.1.
Variant type: Deletion.
Coding change: c.128_132del on transcript NM_004722.4 (MANE Select); coding-DNA positions 128 to 132, 5 bases deleted (ACGAG; older notation c.128_132delACGAG).
Protein change: p.Asp43fs; shifts the reading frame from aspartic acid 43.
Molecular consequence: frameshift variant.
Genome position (GRCh38, 1-based): chr7:100,101,949-100,101,953, ACGAG deleted; deleting any 5 consecutive bases within chr7:100,101,946-100,101,953 gives the same sequence; the c. name uses the placement nearest the transcript's 3' end. VCF-style (leftmost placement, unchanged base first): chr7-100101945-GGAGAC-G. GRCh37 (hg19) VCF-style: chr7-99699568-GGAGAC-G.
Other names: c.128_132del, p.Asp43fs (NM_001363671.2); short protein forms D43fs.
Identifiers: ClinVar variation 3775613 (VCV003775613.1).